The following is an entry in ClinVar:

NM_003640.5(ELP1):c.2824C>T (p.Arg942Ter)

Gene: ELP1 (elongator acetyltransferase complex subunit 1; minus strand). Cytogenetic location: 9q31.3.
Variant type: single nucleotide variant.
Coding change: c.2824C>T on transcript NM_003640.5 (MANE Select); coding-DNA position 2824, C replaced by T.
Protein change: p.Arg942Ter; replaces arginine 942 with a stop codon.
Molecular consequence: nonsense.
Genome position (GRCh38, 1-based): chr9:108,893,979, G>A on the plus strand (C>T on the coding strand, the complement: ELP1 is on the minus strand). VCF-style: chr9-108893979-G-A. GRCh37 (hg19) VCF-style: chr9-111656259-G-A.
Other names: c.2482C>T, p.Arg828Ter (NM_001318360.2); c.1777C>T, p.Arg593Ter (NM_001330749.2); c.2824C>T (NM_003640.4); short protein forms R593*, R942*, R828*.
Identifiers: ClinVar variation 848810 (VCV000848810.14), dbSNP rs761911009, ClinGen allele CA5174528.

ClinVar aggregate classification (germline): Pathogenic/Likely pathogenic. Review status: criteria provided, multiple submitters, no conflicts (2 of 4 stars). 7 submissions from 7 submitters: Pathogenic (3); Likely pathogenic (4). Last evaluated 2026-01-20.

Conditions:
ELP1-Associated Medulloblastoma. Identifiers: MedGen C5670652.
ELP1-related disorder. Also called: ELP1-related condition.
Medulloblastoma (MDB). Also called: Medulloblastoma, somatic; MEDULLOBLASTOMA PREDISPOSITION SYNDROME. Identifiers: Orphanet 616, MedGen C0025149, MeSH D008527, MONDO:0007959, OMIM 155255, HP:0002885.
Familial dysautonomia. Also called: FD; HSAN III. Identifiers: Orphanet 1764, MedGen C0013364, MONDO:0009131, OMIM 223900. Disease mechanism: loss of function.

Allele frequency attached by ClinVar (database versions not stated): gnomAD 0.00001; gnomAD exomes 0.00001; TOPMed 0.00001; ExAC 0.00002.
gnomAD v4.1: 12 of 1,612,926 alleles (0.00074%); highest among the groups gnomAD compares: East Asian, 0.0022%; no homozygotes.

Submissions (7):

Natera, Inc.
Classification: Likely pathogenic for Familial dysautonomia. Last evaluated: 2026-01-20. Review status: criteria provided, single submitter. Criteria: Natera Variant Classification Schema (03/2026). Collection method: clinical testing. Allele origin: germline.
Comment: The c.2824C>T variant in ELP1 is a nonsense variant predicted to introduce a stop codon at amino acid 942. This variant is expected to result in nonsense mediated decay, truncation, or a dysfunctional protein product. This variant is rare in the general population with a frequency below the threshold expected for the associated phenotype(s). Given the available evidence, this variant is classified as Likely Pathogenic.

Labcorp Genetics (formerly Invitae), Labcorp
Classification: Pathogenic. Last evaluated: 2025-12-14. Review status: criteria provided, single submitter. Criteria: Invitae Variant Classification Sherloc (09022015). Collection method: clinical testing. Allele origin: germline.
Comment: This sequence change creates a premature translational stop signal (p.Arg942*) in the ELP1 gene. It is expected to result in an absent or disrupted protein product. Loss-of-function variants in ELP1 are known to be pathogenic (PMID: 18303054, 24173031). This variant is present in population databases (rs761911009, gnomAD 0.01%). This variant has not been reported in the literature in individuals affected with ELP1-related conditions. ClinVar contains an entry for this variant (Variation ID: 848810). For these reasons, this variant has been classified as Pathogenic.

PreventionGenetics, part of Exact Sciences
Classification: Likely pathogenic for ELP1-related condition. Last evaluated: 2025-06-24. Review status: criteria provided, single submitter. Criteria: ACMG Guidelines, 2015. Collection method: clinical testing. Allele origin: germline.
Comment: The ELP1 c.2824C>T variant is predicted to result in premature protein termination (p.Arg942*). To our knowledge, this variant has not been reported in the literature or in a large population database (gnomAD), indicating this variant is rare. This variant is reported in 0.011% of alleles in individuals of East Asian descent in gnomAD. Nonsense variants in ELP1 are expected to be pathogenic. This variant is interpreted as likely pathogenic.

Institute for Genomic Medicine (IGM) Clinical Laboratory, Nationwide Children's Hospital
Classification: Likely pathogenic for ELP1-Associated Medulloblastoma. Last evaluated: 2024-05-13. Review status: criteria provided, single submitter. Criteria: ACMG Guidelines, 2015. Collection method: clinical testing. Allele origin: germline.
Comment: This variant is predicted to result in loss of function through nonsense-mediated decay of the encoded transcript or premature truncation of the encoded protein in a gene in which loss of function is a known mechanism of disease (ACMG/AMP: PVS1; PMIDs:18303054, 24173031). This variant is absent from or present at an exceedingly low frequency in gnomAD, a large-scale control population database (ACMG/AMP: PM2).

Fulgent Genetics
Classification: Likely pathogenic for Medulloblastoma; Familial dysautonomia. Last evaluated: 2024-01-08. Review status: criteria provided, single submitter. Criteria: ACMG Guidelines, 2015. Collection method: clinical testing. Allele origin: germline.

St. Jude Molecular Pathology, St. Jude Children's Research Hospital
Classification: Pathogenic for Medulloblastoma. Last evaluated: 2023-10-16. Review status: criteria provided, single submitter. Criteria: St. Jude Assertion Criteria 2020. Collection method: clinical testing. Allele origin: germline. Affected: yes.
Comment: The ELP1 c.2824C>T (p.Arg942Ter) change is a nonsense variant that is predicted to cause premature protein truncation or absence of protein due to nonsense-mediated decay. This variant has a maximum subpopulation frequency of 0.01% in gnomAD v2.1.1. In summary, this variant meets criteria to be classified as pathogenic.

Ambry Genetics
Classification: Pathogenic. Last evaluated: 2019-09-17. Review status: criteria provided, single submitter. Criteria: Ambry Variant Classification Scheme 2023. Collection method: clinical testing. Allele origin: germline.
Comment: The p.R942* pathogenic mutation (also known as c.2824C>T), located in coding exon 25 of the IKBKAP gene, results from a C to T substitution at nucleotide position 2824. This changes the amino acid from an arginine to a stop codon within coding exon 25. This alteration is expected to result in loss of function by premature protein truncation or nonsense-mediated mRNA decay. As such, this alteration is interpreted as a disease-causing mutation.

Literature cited by the submitters: PubMed 18303054 (cited by Labcorp Genetics (formerly Invitae), Labcorp and Institute for Genomic Medicine (IGM) Clinical Laboratory, Nationwide Children's Hospital); PubMed 24173031 (cited by Labcorp Genetics (formerly Invitae), Labcorp and Institute for Genomic Medicine (IGM) Clinical Laboratory, Nationwide Children's Hospital).